The following is an entry in ClinVar:

NM_213655.5(WNK1):c.2446_2449del (p.Gln816fs)

Gene: WNK1 (WNK lysine deficient protein kinase 1; plus strand). Cytogenetic location: 12p13.33.
Variant type: Deletion.
Coding change: c.2446_2449del on transcript NM_213655.5 (MANE Plus Clinical); coding-DNA positions 2446 to 2449, 4 bases deleted (CAGA; older notation c.2446_2449delCAGA).
Protein change: p.Gln816fs; shifts the reading frame from glutamine 816.
Molecular consequence: frameshift variant. On other transcripts: intron variant (2).
Genome position (GRCh38, 1-based): chr12:867,917-867,920, CAGA deleted; deleting any 4 consecutive bases within chr12:867,916-867,920 gives the same sequence; the c. name uses the placement nearest the transcript's 3' end. VCF-style (leftmost placement, unchanged base first): chr12-867915-CACAG-C. GRCh37 (hg19) VCF-style: chr12-977081-CACAG-C.
Other names: c.2191_2194del, p.Gln731fs (NM_001184985.2); c.2140-3348_2140-3345del (NM_018979.4, NM_014823.3); short protein forms Q816fs, Q731fs.
Identifiers: ClinVar variation 1998479 (VCV001998479.4), dbSNP rs1194157372, ClinGen allele CA603036662.

ClinVar aggregate classification (germline): Pathogenic (1 of 4 stars; one submission).

Conditions:
Neuropathy, hereditary sensory and autonomic, type 2A (HSAN2A). Also called: ACROOSTEOLYSIS, GIACCAI TYPE; ACROOSTEOLYSIS, NEUROGENIC; MORVAN DISEASE; NEUROPATHY, CONGENITAL SENSORY; NEUROPATHY, HEREDITARY SENSORY RADICULAR, AUTOSOMAL RECESSIVE; NEUROPATHY, HEREDITARY SENSORY, TYPE IIA. Identifiers: Orphanet 970, MedGen C2752089, MONDO:0024309, OMIM 201300.
Pseudohypoaldosteronism type 2C (PHA2C). Also called: Pseudohypoaldosteronism Type IIC. Identifiers: Orphanet 757, Orphanet 88940, MedGen C1840391, MONDO:0013778, OMIM 614492.

Submission:

Labcorp Genetics (formerly Invitae), Labcorp
Classification: Pathogenic for Neuropathy, hereditary sensory and autonomic, type 2A; Pseudohypoaldosteronism type 2C. Last evaluated: 2024-04-22. Review status: criteria provided, single submitter. Criteria: Invitae Variant Classification Sherloc (09022015). Collection method: clinical testing. Allele origin: germline.
Comment: This sequence change creates a premature translational stop signal (p.Gln816Tyrfs*23) in the WNK1 gene. It is expected to result in an absent or disrupted protein product. Loss-of-function variants in WNK1 are known to be pathogenic (PMID: 22910560). This variant is present in population databases (no rsID available, gnomAD 0.006%). This variant has not been reported in the literature in individuals affected with WNK1-related conditions. ClinVar contains an entry for this variant (Variation ID: 1998479). For these reasons, this variant has been classified as Pathogenic.

Literature cited by the submitters: PubMed 22910560.